The following continues an entry in ClinVar:

NM_024675.4(PALB2):c.2794G>A (p.Val932Met)

Gene: PALB2. ClinVar aggregate classification (germline): Benign/Likely benign. Benign (13); Likely benign (9).

Submissions 27 to 56 of 56:

Clinical Genetics Laboratory, Department of Pathology, Netherlands Cancer Institute
Classification: Benign. Review status: no assertion criteria provided. Collection method: clinical testing. Allele origin: germline. Affected: yes. Study: VKGL Data-share Consensus. Not counted in ClinVar's aggregate classification.

Department of Pathology and Laboratory Medicine, Sinai Health System
Classification: Benign for Malignant tumor of breast. Review status: no assertion criteria provided. Collection method: clinical testing. Allele origin: unknown. Affected: yes. Observed: 2 variant alleles. Study: The Canadian Open Genetics Repository (COGR). Not counted in ClinVar's aggregate classification.
Comment: The PALB2 p.Val932Met variant was identified in 60 of 9444 proband chromosomes (frequency: 0.006) from individuals or families with breast, ovarian and prostate cancer and was present in 69 of 12422 control chromosomes (frequency: 0.006) from healthy individuals (Thompson_2015_26283626, Rahman_2007_17200668, Erkko_2007_17287723, Bogdanova_2011_21165770, Wong_2011_21409391, Kuusisto_2011_21356067, Garcia_2009_18302019, Aoude_2014_24949998, Ding_2011_20927582, Prokofyeva_2012_22310028, Hofstatter_2011_21365267, Papi_2010_19763884, Pakkanen_2009_20003494). The variant was also identified in the following databases: dbSNP (ID: rs45624036) as â€šÃ„ÃºWith other alleleâ€šÃ„Ã¹, ClinVar (12x, as benign GeneDx, Invitae, Prevention Genetics, ARUP, Ambry Genetics, Pathway Genetics, PALB2 database, and as likely benign by Cancer Genetics, Illumina, Institute for Biomarker; and ITMI with no indication of clinical significance), Clinvitae (4x, as benign with conflicting pathogenicity), LOVD 3.0 (18x), Zhejiang Colon Cancer Database (4x, as benign with conflicting pathogenicity). The variant was not identified in Cosmic and MutDB, databases. The variant was identified in control databases in 1441 of 276692 chromosomes (4 homozygous) at a frequency of 0.005 increasing the likelihood this could be a low frequency benign variant (Genome Aggregation Database Feb 27, 2017). Observations by population include African in 31 of 23944 chromosomes (freq: 0.001295), â€šÃ„ÃºOtherâ€šÃ„Ã¹ in 30 of 6452 chromosomes (freq: 0.00465), Latino in 63 of 34386 chromosomes (freq: 0.001832), European Non-Finnish in 814 of 126400 chromosomes (freq: 0.00644), Ashkenazi Jewish in 43 of 10130 chromosomes (freq: 0.004245), European Finnish in 428 of 25784 chromosomes (freq: 0.0166), and South Asian in 32 of 30744 chromosomes (freq: 0.001041); while the variant was not observed in the East Asian, populations. The p.Val932Met residue is not conserved in mammals and computational analyses (PolyPhen-2, SIFT, AlignGVGD, BLOSUM, MutationTaster) provide inconsistent predictions regarding the impact to the protein; this information is not very predictive of pathogenicity. The variant occurs outside of the splicing consensus sequence and 3 of 5 in silico or computational prediction software programs (SpliceSiteFinder, MaxEntScan, NNSPLICE, GeneSplicer, HumanSpliceFinder) predict a greater than 10% difference in splicing. However, this information is not predictive enough to assume pathogenicity. In summary, based on the above information this variant meets our laboratory's criteria to be classified as benign.

Department of Pathology and Laboratory Medicine, Sinai Health System
Classification: Benign for Familial ovarian cancer. Review status: no assertion criteria provided. Collection method: clinical testing. Allele origin: unknown. Affected: yes. Observed: 2 variant alleles. Study: The Canadian Open Genetics Repository (COGR). Not counted in ClinVar's aggregate classification.
Comment: the same text as in the submission from Department of Pathology and Laboratory Medicine, Sinai Health System above.

Diagnostic Laboratory, Department of Genetics, University Medical Center Groningen
Classification: Likely benign. Review status: no assertion criteria provided. Collection method: clinical testing. Allele origin: germline. Affected: yes. Study: VKGL Data-share Consensus. Not counted in ClinVar's aggregate classification.

Dr. Peter K. Rogan Lab, Western University
No classification provided (evidence only). Condition: Clear cell carcinoma of kidney. Review status: no classification provided. Collection method: in vitro. Allele origin: not applicable. Functional consequence: retained intron. Not counted in ClinVar's aggregate classification.

Dr. Peter K. Rogan Lab, Western University
No classification provided (evidence only). Condition: Clear cell carcinoma of kidney. Review status: no classification provided. Collection method: in vitro. Allele origin: not applicable. Functional consequence: retained intron. Not counted in ClinVar's aggregate classification.

Dr. Peter K. Rogan Lab, Western University
No classification provided (evidence only). Condition: Lung cancer. Review status: no classification provided. Collection method: in vitro. Allele origin: not applicable. Functional consequence: retained intron. Not counted in ClinVar's aggregate classification.

Dr. Peter K. Rogan Lab, Western University
No classification provided (evidence only). Condition: Lung cancer. Review status: no classification provided. Collection method: in vitro. Allele origin: not applicable. Functional consequence: retained intron. Not counted in ClinVar's aggregate classification.

Dr. Peter K. Rogan Lab, Western University
No classification provided (evidence only). Condition: Lung cancer. Review status: no classification provided. Collection method: in vitro. Allele origin: not applicable. Functional consequence: retained intron. Not counted in ClinVar's aggregate classification.

Dr. Peter K. Rogan Lab, Western University
No classification provided (evidence only). Condition: Familial cancer of breast. Review status: no classification provided. Collection method: in vitro. Allele origin: not applicable. Functional consequence: retained intron. Not counted in ClinVar's aggregate classification.

Dr. Peter K. Rogan Lab, Western University
No classification provided (evidence only). Condition: Familial cancer of breast. Review status: no classification provided. Collection method: in vitro. Allele origin: not applicable. Functional consequence: retained intron. Not counted in ClinVar's aggregate classification.

Dr. Peter K. Rogan Lab, Western University
No classification provided (evidence only). Condition: Familial cancer of breast. Review status: no classification provided. Collection method: in vitro. Allele origin: not applicable. Functional consequence: retained intron. Not counted in ClinVar's aggregate classification.

Dr. Peter K. Rogan Lab, Western University
No classification provided (evidence only). Condition: Colon adenocarcinoma. Review status: no classification provided. Collection method: in vitro. Allele origin: not applicable. Functional consequence: retained intron. Not counted in ClinVar's aggregate classification.

Dr. Peter K. Rogan Lab, Western University
No classification provided (evidence only). Condition: Colorectal cancer. Review status: no classification provided. Collection method: in vitro. Allele origin: not applicable. Functional consequence: retained intron. Not counted in ClinVar's aggregate classification.

Dr. Peter K. Rogan Lab, Western University
No classification provided (evidence only). Condition: Colorectal cancer. Review status: no classification provided. Collection method: in vitro. Allele origin: not applicable. Functional consequence: retained intron. Not counted in ClinVar's aggregate classification.

Dr. Peter K. Rogan Lab, Western University
No classification provided (evidence only). Condition: Uterine corpus endometrial carcinoma. Review status: no classification provided. Collection method: in vitro. Allele origin: not applicable. Functional consequence: retained intron. Not counted in ClinVar's aggregate classification.

Dr. Peter K. Rogan Lab, Western University
No classification provided (evidence only). Condition: Cervical cancer. Review status: no classification provided. Collection method: in vitro. Allele origin: not applicable. Functional consequence: retained intron. Not counted in ClinVar's aggregate classification.

Dr. Peter K. Rogan Lab, Western University
No classification provided (evidence only). Condition: Cervical cancer. Review status: no classification provided. Collection method: in vitro. Allele origin: not applicable. Functional consequence: retained intron. Not counted in ClinVar's aggregate classification.

Dr. Peter K. Rogan Lab, Western University
No classification provided (evidence only). Condition: Sarcoma. Review status: no classification provided. Collection method: in vitro. Allele origin: not applicable. Functional consequence: retained intron. Not counted in ClinVar's aggregate classification.

Dr. Peter K. Rogan Lab, Western University
No classification provided (evidence only). Condition: Hepatocellular carcinoma. Review status: no classification provided. Collection method: in vitro. Allele origin: not applicable. Functional consequence: retained intron. Not counted in ClinVar's aggregate classification.

Dr. Peter K. Rogan Lab, Western University
No classification provided (evidence only). Condition: Hepatocellular carcinoma. Review status: no classification provided. Collection method: in vitro. Allele origin: not applicable. Functional consequence: retained intron. Not counted in ClinVar's aggregate classification.

Dr. Peter K. Rogan Lab, Western University
No classification provided (evidence only). Condition: Cholangiocarcinoma. Review status: no classification provided. Collection method: in vitro. Allele origin: not applicable. Functional consequence: retained intron. Not counted in ClinVar's aggregate classification.

Dr. Peter K. Rogan Lab, Western University
No classification provided (evidence only). Condition: Ovarian serous cystadenocarcinoma. Review status: no classification provided. Collection method: in vitro. Allele origin: not applicable. Functional consequence: retained intron. Not counted in ClinVar's aggregate classification.

Dr. Peter K. Rogan Lab, Western University
No classification provided (evidence only). Condition: Ovarian serous cystadenocarcinoma. Review status: no classification provided. Collection method: in vitro. Allele origin: not applicable. Functional consequence: retained intron. Not counted in ClinVar's aggregate classification.

Dr. Peter K. Rogan Lab, Western University
No classification provided (evidence only). Condition: Gastric cancer. Review status: no classification provided. Collection method: in vitro. Allele origin: not applicable. Functional consequence: retained intron. Not counted in ClinVar's aggregate classification.

Dr. Peter K. Rogan Lab, Western University
No classification provided (evidence only). Condition: Malignant tumor of esophagus. Review status: no classification provided. Collection method: in vitro. Allele origin: not applicable. Functional consequence: retained intron. Not counted in ClinVar's aggregate classification.

Dr. Peter K. Rogan Lab, Western University
No classification provided (evidence only). Condition: Malignant tumor of esophagus. Review status: no classification provided. Collection method: in vitro. Allele origin: not applicable. Functional consequence: retained intron. Not counted in ClinVar's aggregate classification.

Genome Diagnostics Laboratory, Amsterdam University Medical Center
Classification: Benign. Review status: no assertion criteria provided. Collection method: clinical testing. Allele origin: germline. Affected: yes. Study: VKGL Data-share Consensus. Not counted in ClinVar's aggregate classification.

Joint Genome Diagnostic Labs from Nijmegen and Maastricht, Radboudumc and MUMC+
Classification: Likely benign. Review status: no assertion criteria provided. Collection method: clinical testing. Allele origin: germline. Affected: yes. Study: VKGL Data-share Consensus. Not counted in ClinVar's aggregate classification.

Laboratory of Diagnostic Genome Analysis, Leiden University Medical Center (LUMC)
Classification: Likely benign. Review status: no assertion criteria provided. Collection method: clinical testing. Allele origin: germline. Affected: yes. Study: VKGL Data-share Consensus. Not counted in ClinVar's aggregate classification.

Literature cited by the submitters: PubMed 25085752 (cited by Myriad Genetics, Inc.); PubMed 17200668 (cited by Leiden Open Variation Database and Pathway Genomics); PubMed 17287723 (cited by Leiden Open Variation Database and Pathway Genomics); PubMed 18302019 (cited by Leiden Open Variation Database); PubMed 20927582 (cited by Leiden Open Variation Database); PubMed 21165770 (cited by Leiden Open Variation Database); PubMed 21356067 (cited by Leiden Open Variation Database); PubMed 21365267 (cited by Leiden Open Variation Database); PubMed 21409391 (cited by Leiden Open Variation Database); PubMed 22241545 (cited by Leiden Open Variation Database); PubMed 22310028 (cited by Leiden Open Variation Database); PubMed 24448499 (cited by Leiden Open Variation Database); PubMed 24556926 (cited by Leiden Open Variation Database); PubMed 24949998 (cited by Leiden Open Variation Database); PubMed 25356972 (cited by Leiden Open Variation Database); PubMed 25479140 (cited by Leiden Open Variation Database); PubMed 24728327 (cited by Pathway Genomics and ITMI).